The following is an entry in ClinVar:

NM_001195263.2(PDZD7):c.1480G>A (p.Gly494Arg)

Gene: PDZD7 (PDZ domain containing 7; minus strand). Cytogenetic location: 10q24.31.
Variant type: single nucleotide variant.
Coding change: c.1480G>A on transcript NM_001195263.2 (MANE Select); coding-DNA position 1480, G replaced by A.
Protein change: p.Gly494Arg; replaces glycine 494 with arginine.
Molecular consequence: missense variant.
Genome position (GRCh38, 1-based): chr10:101,018,141, C>T on the plus strand (G>A on the coding strand, the complement: PDZD7 is on the minus strand). VCF-style: chr10-101018141-C-T. GRCh37 (hg19) VCF-style: chr10-102777898-C-T.
Other names: c.1480G>A (NM_001195263.1); c.1508G>A, p.Arg503Gln (NM_001351044.2); c.1480G>A, p.Gly494Arg (NM_024895.5); short protein forms R503Q, G494R.
Identifiers: ClinVar variation 1971243 (VCV001971243.7), dbSNP rs777039039, ClinGen allele CA5654083.

ClinVar aggregate classification (germline): Conflicting classifications of pathogenicity. Review status: criteria provided, conflicting classifications (1 of 4 stars). 3 submissions from 3 submitters: Uncertain significance (1); Likely benign (2). Last evaluated 2025-04-12.

Conditions:
Inborn genetic diseases. Identifiers: MedGen C0950123, MeSH D030342.

Allele frequency attached by ClinVar (database versions not stated): gnomAD 0.00001; TOPMed 0.00003; gnomAD exomes 0.00004; ExAC 0.00011.
gnomAD v4.1: 60 of 1,614,100 alleles (0.0037%); highest among the groups gnomAD compares: Non-Finnish European, 0.0044%; no homozygotes.

Submissions (3):

Ambry Genetics
Classification: Likely benign for Inborn genetic diseases. Last evaluated: 2025-04-12. Review status: criteria provided, single submitter. Criteria: Ambry Variant Classification Scheme 2023. Collection method: clinical testing. Allele origin: germline.

Blueprint Genetics
Classification: Likely benign. Last evaluated: 2022-11-11. Review status: criteria provided, single submitter. Criteria: ACMG Guidelines, 2015. Collection method: clinical testing. Allele origin: germline.

Labcorp Genetics (formerly Invitae), Labcorp
Classification: Uncertain significance. Last evaluated: 2022-06-14. Review status: criteria provided, single submitter. Criteria: Invitae Variant Classification Sherloc (09022015). Collection method: clinical testing. Allele origin: germline.
Comment: In summary, the available evidence is currently insufficient to determine the role of this variant in disease. Therefore, it has been classified as a Variant of Uncertain Significance. Algorithms developed to predict the effect of missense changes on protein structure and function output the following: SIFT: "Deleterious"; PolyPhen-2: "Not Available"; Align-GVGD: "Class C0". The arginine amino acid residue is found in multiple mammalian species, which suggests that this missense change does not adversely affect protein function. This variant has not been reported in the literature in individuals affected with PDZD7-related conditions. This variant is present in population databases (rs777039039, gnomAD 0.009%). This sequence change replaces glycine, which is neutral and non-polar, with arginine, which is basic and polar, at codon 494 of the PDZD7 protein (p.Gly494Arg).